The following is an entry in ClinVar:

NM_004329.3(BMPR1A):c.1373A>T (p.Tyr458Phe)

Gene: BMPR1A (bone morphogenetic protein receptor type 1A; plus strand). Cytogenetic location: 10q23.2.
Variant type: single nucleotide variant.
Coding change: c.1373A>T on transcript NM_004329.3 (MANE Select); coding-DNA position 1373, A replaced by T.
Protein change: p.Tyr458Phe; replaces tyrosine 458 with phenylalanine.
Molecular consequence: missense variant.
Genome position (GRCh38, 1-based): chr10:86,923,406, A>T. VCF-style: chr10-86923406-A-T. GRCh37 (hg19) VCF-style: chr10-88683163-A-T.
Other names: short protein forms Y458F.
Identifiers: ClinVar variation 1371670 (VCV001371670.8), dbSNP rs1843694986, ClinGen allele CA377462760.

ClinVar aggregate classification (germline): Uncertain significance (1 of 4 stars; one submission).

Conditions:
Juvenile polyposis syndrome (JPS). Identifiers: Orphanet 2929, MedGen C0345893, MONDO:0017380, OMIM 174900.

Submission:

Labcorp Genetics (formerly Invitae), Labcorp
Classification: Uncertain significance for Juvenile polyposis syndrome. Last evaluated: 2021-02-13. Review status: criteria provided, single submitter. Criteria: Invitae Variant Classification Sherloc (09022015). Collection method: clinical testing. Allele origin: germline.
Comment: This variant has not been reported in the literature in individuals with BMPR1A-related conditions. Advanced modeling of protein sequence and biophysical properties (such as structural, functional, and spatial information, amino acid conservation, physicochemical variation, residue mobility, and thermodynamic stability) performed at Invitae indicates that this missense variant is not expected to disrupt BMPR1A protein function. In summary, the available evidence is currently insufficient to determine the role of this variant in disease. Therefore, it has been classified as a Variant of Uncertain Significance. This sequence change replaces tyrosine with phenylalanine at codon 458 of the BMPR1A protein (p.Tyr458Phe). The tyrosine residue is moderately conserved and there is a small physicochemical difference between tyrosine and phenylalanine. This variant is not present in population databases (ExAC no frequency).